The following is an entry in ClinVar:

NM_000540.3(RYR1):c.1956G>A (p.Ala652=)

Gene: RYR1 (ryanodine receptor 1; plus strand). Cytogenetic location: 19q13.2.
Variant type: single nucleotide variant.
Coding change: c.1956G>A on transcript NM_000540.3 (MANE Select); coding-DNA position 1956, G replaced by A.
Protein change: p.Ala652=; no amino-acid change (alanine 652 retained).
Molecular consequence: synonymous variant.
Genome position (GRCh38, 1-based): chr19:38,458,081, G>A. VCF-style: chr19-38458081-G-A. GRCh37 (hg19) VCF-style: chr19-38948721-G-A.
Other names: c.1956G>A, p.Ala652= (NM_001042723.2).
Identifiers: ClinVar variation 650477 (VCV000650477.51), dbSNP rs202105428, ClinGen allele CA062717.

ClinVar aggregate classification (germline): Conflicting classifications of pathogenicity. Review status: criteria provided, conflicting classifications (1 of 4 stars). 8 submissions from 6 submitters: Uncertain significance (3); Likely benign (4). 1 of the submissions does not count toward it. Last evaluated 2025-08-12.

Conditions:
Central core myopathy (CMYO1A). Also called: CONGENITAL MYOPATHY 1A, AUTOSOMAL DOMINANT, WITH SUSCEPTIBILITY TO MALIGNANT HYPERTHERMIA; Central core disease; Myopathy, central fibrillar. Identifiers: Orphanet 597, MedGen C5830701, MONDO:0007294, OMIM 117000.
Malignant hyperthermia, susceptibility to, 1 (MHS1). Also called: RYR1-Related Malignant Hyperthermia Susceptibility; Anesthesia related hyperthermia; Malignant hyperpyrexia; Fulminating hyperpyrexia; Pharmacogenic myopathy; Malignant hyperthermia suceptibility 1. Identifiers: Orphanet 423, MedGen C2930980, MONDO:0007783, OMIM 145600.
RYR1-related disorder. Also called: RYR1-related condition; RYR1-related disorders. Identifiers: MedGen CN239331.
Congenital multicore myopathy with external ophthalmoplegia (CMYO1B). Also called: MULTIMINICORE DISEASE WITH EXTERNAL OPHTHALMOPLEGIA; MULTICORE MYOPATHY; Minicore myopathy with external ophthalmoplegia; Congenital myopathy 1B, autosomal recessive; Minicore myopathy. Identifiers: Orphanet 598, Orphanet 98905, MedGen C1850674, MONDO:0009712, OMIM 255320, HP:0003789.

Allele frequency attached by ClinVar (database versions not stated): gnomAD exomes 0.00002; TOPMed 0.00003; gnomAD 0.00005.
gnomAD v4.1: 43 of 1,613,828 alleles (0.0027%); highest among the groups gnomAD compares: East Asian, 0.0045%; no homozygotes.

Submissions (8):

Labcorp Genetics (formerly Invitae), Labcorp
Classification: Likely benign for RYR1-related disorder. Last evaluated: 2025-08-12. Review status: criteria provided, single submitter. Criteria: Invitae Variant Classification Sherloc (09022015). Collection method: clinical testing. Allele origin: germline.

All of Us Research Program, National Institutes of Health
Classification: Likely benign for Malignant hyperthermia, susceptibility to, 1. Last evaluated: 2024-01-08. Review status: criteria provided, single submitter. Criteria: ACMG Guidelines, 2015. Collection method: clinical testing. Allele origin: germline. Inheritance: Autosomal dominant inheritance. Observed: 8 variant alleles, 8 heterozygotes.
Comment: This study involves interpretation of variants in research participants for the purpose of population health screening. Participant phenotype was not available at the time of variant classification. Additional details can be found in publication PMID: 35346344, PMCID: PMC8962531

CeGaT Center for Human Genetics Tuebingen
Classification: Likely benign. Last evaluated: 2023-01-01. Review status: criteria provided, single submitter. Criteria: CeGaT Center For Human Genetics Tuebingen Variant Classification Criteria Version 2. Collection method: clinical testing. Allele origin: germline. Affected: yes. Observed: 3 variant alleles.
Comment: RYR1: BP4, BP7

Color Diagnostics, LLC DBA Color Health
Classification: Likely benign for Malignant hyperthermia, susceptibility to, 1. Last evaluated: 2022-11-06. Review status: criteria provided, single submitter. Criteria: ACMG Guidelines, 2015. Collection method: clinical testing. Allele origin: germline.

Illumina Laboratory Services, Illumina
Classification: Uncertain significance for Central core myopathy. Last evaluated: 2018-01-13. Review status: criteria provided, single submitter. Criteria: ICSL Variant Classification Criteria 13 December 2019. Collection method: clinical testing. Allele origin: germline.

Illumina Laboratory Services, Illumina
Classification: Uncertain significance for Congenital multicore myopathy with external ophthalmoplegia. Last evaluated: 2018-01-13. Review status: criteria provided, single submitter. Criteria: ICSL Variant Classification Criteria 13 December 2019. Collection method: clinical testing. Allele origin: germline.

Illumina Laboratory Services, Illumina
Classification: Uncertain significance for Malignant hyperthermia, susceptibility to, 1. Last evaluated: 2018-01-13. Review status: criteria provided, single submitter. Criteria: ICSL Variant Classification Criteria 13 December 2019. Collection method: clinical testing. Allele origin: germline.

PreventionGenetics, part of Exact Sciences
Classification: Likely benign for RYR1-related condition. Last evaluated: 2020-03-18. Review status: no assertion criteria provided. Collection method: clinical testing. Allele origin: germline. Not counted in ClinVar's aggregate classification.
Comment: This variant is classified as likely benign based on ACMG/AMP sequence variant interpretation guidelines (Richards et al. 2015 PMID: 25741868, with internal and published modifications).